The following is an entry in ClinVar:

ClinVar aggregate classification (germline): Likely pathogenic (1 of 4 stars; one submission).

Submission:

Labcorp Genetics (formerly Invitae), Labcorp
Classification: Likely pathogenic. Last evaluated: 2025-12-03. Review status: criteria provided, single submitter. Criteria: Invitae Variant Classification Sherloc (09022015). Collection method: clinical testing. Allele origin: germline.
Comment: This sequence change affects a donor splice site in intron 11 of the LARS2 gene. It is expected to disrupt RNA splicing. Variants that disrupt the donor or acceptor splice site typically lead to a loss of protein function (PMID: 16199547), and loss-of-function variants in LARS2 are known to be pathogenic (PMID: 23541342, 30737337). This variant is not present in population databases (gnomAD no frequency). This variant has not been reported in the literature in individuals affected with LARS2-related conditions. Algorithms developed to predict the effect of sequence changes on RNA splicing suggest that this variant may disrupt the consensus splice site. In summary, the currently available evidence indicates that the variant is pathogenic, but additional data are needed to prove that conclusively. Therefore, this variant has been classified as Likely Pathogenic.

Literature cited by the submitters: PubMed 16199547; PubMed 23541342; PubMed 30737337.

NM_015340.4(LARS2):c.1123+1G>A

Genes: LARS2 (leucyl-tRNA synthetase 2, mitochondrial; plus strand), LARS2-AS1 (LARS2 antisense RNA 1; minus strand). Cytogenetic location: 3p21.31.
Variant type: single nucleotide variant.
Coding change: c.1123+1G>A on transcript NM_015340.4 (MANE Select); the canonical splice donor site of the intron after coding-DNA position 1123, G replaced by A.
Molecular consequence: splice donor variant.
Genome position (GRCh38, 1-based): chr3:45,485,797, G>A. VCF-style: chr3-45485797-G-A. GRCh37 (hg19) VCF-style: chr3-45527289-G-A.
Other names: c.1123+1G>A (NM_001368263.1).
Identifiers: ClinVar variation 4727246 (VCV004727246.1).